The following is an entry in ClinVar:

NM_001195263.2(PDZD7):c.2006-313T>G

Gene: PDZD7 (PDZ domain containing 7; minus strand). Cytogenetic location: 10q24.31.
Variant type: single nucleotide variant.
Coding change: c.2006-313T>G on transcript NM_001195263.2 (MANE Select); 313 bases into the intron before coding-DNA position 2006, T replaced by G.
Molecular consequence: intron variant.
Genome position (GRCh38, 1-based): chr10:101,011,196, A>C on the plus strand (T>G on the coding strand, the complement: PDZD7 is on the minus strand). VCF-style: chr10-101011196-A-C. GRCh37 (hg19) VCF-style: chr10-102770953-A-C.
Identifiers: ClinVar variation 683855 (VCV000683855.1), dbSNP rs807021, ClinGen allele CA13201506.

ClinVar aggregate classification (germline): Benign (1 of 4 stars; one submission).

Allele frequency attached by ClinVar (database versions not stated): 1000 Genomes Project 0.78554; 1000 Genomes Project 30x 0.78670; gnomAD 0.83795; TOPMed 0.84117; gnomAD exomes 0.86921.
gnomAD v4.1: 514,236 of 596,856 alleles (86%); highest among the groups gnomAD compares: Non-Finnish European, 89%; 222,632 homozygotes.

Submission:

GeneDx
Classification: Benign. Last evaluated: 2018-06-14. Review status: criteria provided, single submitter. Criteria: GeneDx Variant Classification (06012015). Collection method: clinical testing. Allele origin: germline. Affected: yes.
Comment: This variant is considered likely benign or benign based on one or more of the following criteria: it is a conservative change, it occurs at a poorly conserved position in the protein, it is predicted to be benign by multiple in silico algorithms, and/or has population frequency not consistent with disease.